The following is an entry in ClinVar:

NM_004972.4(JAK2):c.929C>T (p.Thr310Ile)

Genes: INSL6 (insulin like 6; minus strand), JAK2 (Janus kinase 2; plus strand). Cytogenetic location: 9p24.1.
Variant type: single nucleotide variant.
Coding change: c.929C>T on transcript NM_004972.4 (MANE Select); coding-DNA position 929, C replaced by T.
Protein change: p.Thr310Ile; replaces threonine 310 with isoleucine.
Molecular consequence: missense variant. On other transcripts: non-coding transcript variant (2), intron variant (2).
Genome position (GRCh38, 1-based): chr9:5,054,877, C>T. VCF-style: chr9-5054877-C-T. GRCh37 (hg19) VCF-style: chr9-5054877-C-T.
Other names: c.929C>T, p.Thr310Ile (NM_001322194.2, NM_001322195.2, NM_001322196.2); c.482C>T, p.Thr161Ile (NM_001322204.2); c.-280+88C>T (NM_001322198.2, NM_001322199.2); short protein forms T310I, T161I.
Identifiers: ClinVar variation 3703482 (VCV003703482.2).
Genomic context (GRCh38, chr9:5,054,877, plus strand): 5'-TAACTGGAAACGGTGGAATTCAGTGGTCAAGAGGGAAACATAAAGAAAGTGAGACACTGA[C>T]AGAACAGGTAATCCTTAATGATATGTTCTTGTTCTTTGTTATTTTAAGTACAATGGAAAT-3'
Protein context (NP_004963.1, residues 300-320): RGKHKESETL[Thr310Ile]EQDLQLYCDF

ClinVar aggregate classification (germline): Uncertain significance (1 of 4 stars; one submission).

Submission:

Labcorp Genetics (formerly Invitae), Labcorp
Classification: Uncertain significance. Last evaluated: 2024-08-31. Review status: criteria provided, single submitter. Criteria: Invitae Variant Classification Sherloc (09022015). Collection method: clinical testing. Allele origin: germline.
Comment: This sequence change replaces threonine, which is neutral and polar, with isoleucine, which is neutral and non-polar, at codon 310 of the JAK2 protein (p.Thr310Ile). This variant is present in population databases (rs746340189, gnomAD 0.007%). This variant has not been reported in the literature in individuals affected with JAK2-related conditions. Invitae Evidence Modeling of protein sequence and biophysical properties (such as structural, functional, and spatial information, amino acid conservation, physicochemical variation, residue mobility, and thermodynamic stability) indicates that this missense variant is not expected to disrupt JAK2 protein function with a negative predictive value of 95%. In summary, the available evidence is currently insufficient to determine the role of this variant in disease. Therefore, it has been classified as a Variant of Uncertain Significance.